The following is an entry in ClinVar:

NM_003719.5(PDE8B):c.*648T>G

Gene: PDE8B (phosphodiesterase 8B; plus strand). Cytogenetic location: 5q13.3.
Variant type: single nucleotide variant.
Coding change: c.*648T>G on transcript NM_003719.5 (MANE Select); 648 bases downstream of the stop codon, T replaced by G.
Molecular consequence: 3 prime UTR variant.
Genome position (GRCh38, 1-based): chr5:77,427,202, T>G. VCF-style: chr5-77427202-T-G. GRCh37 (hg19) VCF-style: chr5-76723027-T-G.
Other names: c.*648T>G (NM_001029851.4, NM_001029852.4, NM_001029853.4 and 19 more transcripts); c.*734T>G (NM_001349751.3, NM_001376072.1).
Identifiers: ClinVar variation 354194 (VCV000354194.5), dbSNP rs184498073, ClinGen allele CA10624986.

ClinVar aggregate classification (germline): Benign (1 of 4 stars; one submission).

Conditions:
Autosomal dominant striatal neurodegeneration type 1. Identifiers: Orphanet 228169, MedGen C4310808, MONDO:0012205, OMIM 609161.

Allele frequency attached by ClinVar (database versions not stated): gnomAD 0.00011 and 0.00013; TOPMed 0.00018; 1000 Genomes Project 0.00040; 1000 Genomes Project 30x 0.00047.

Submission:

Illumina Laboratory Services, Illumina
Classification: Benign for Autosomal dominant striatal neurodegeneration type 1. Last evaluated: 2018-01-13. Review status: criteria provided, single submitter. Criteria: ICSL Variant Classification Criteria 13 December 2019. Collection method: clinical testing. Allele origin: germline.
Comment: This variant was observed in the ICSL laboratory as part of a predisposition screen in an ostensibly healthy population. It had not been previously curated by ICSL or reported in the Human Gene Mutation Database (HGMD: prior to June 1st, 2018), and was therefore a candidate for classification through an automated scoring system. Utilizing variant allele frequency, disease prevalence and penetrance estimates, and inheritance mode, an automated score was calculated to assess if this variant is too frequent to cause the disease. Based on the score and internal cut-off values, a variant classified as benign is not then subjected to further curation. The score for this variant resulted in a classification of benign for this disease.